The following is an entry in ClinVar:

NM_020822.3(KCNT1):c.2876T>C (p.Met959Thr)

Gene: KCNT1 (potassium sodium-activated channel subfamily T member 1; plus strand). Cytogenetic location: 9q34.3.
Variant type: single nucleotide variant.
Coding change: c.2876T>C on transcript NM_020822.3 (MANE Select); coding-DNA position 2876, T replaced by C.
Protein change: p.Met959Thr; replaces methionine 959 with threonine.
Molecular consequence: missense variant.
Genome position (GRCh38, 1-based): chr9:135,784,058, T>C. VCF-style: chr9-135784058-T-C. GRCh37 (hg19) VCF-style: chr9-138675904-T-C.
Other names: c.2741T>C, p.Met914Thr (NM_001272003.2); short protein forms M959T, M914T.
Identifiers: ClinVar variation 447647 (VCV000447647.12), dbSNP rs1318262895, ClinGen allele CA375517397.

ClinVar aggregate classification (germline): Uncertain significance. Review status: criteria provided, multiple submitters, no conflicts (2 of 4 stars). 4 submissions from 3 submitters: Uncertain significance (4). Last evaluated 2022-12-31.

Conditions:
Autosomal dominant nocturnal frontal lobe epilepsy 5. Also called: KCNT1-Related Epilepsy; CILIARY DYSKINESIA, PRIMARY, 28, WITHOUT SITUS INVERSUS; CILIARY DYSKINESIA, PRIMARY, 28, WITH SITUS INVERSUS; Epilepsy, nocturnal frontal lobe, 5. Identifiers: Orphanet 98784, MedGen C3554306, MONDO:0014002, OMIM 615005.
Developmental and epileptic encephalopathy, 14 (DEE14). Also called: Early infantile epileptic encephalopathy 14. Identifiers: Orphanet 293181, MedGen C3554195, MONDO:0013989, OMIM 614959.

Allele frequency attached by ClinVar (database versions not stated): gnomAD exomes below 0.00001.
gnomAD v4.1: 3 of 1,605,962 alleles (0.00019%); highest among the groups gnomAD compares: Non-Finnish European, 0.00025%; no homozygotes.

Submissions (4):

Labcorp Genetics (formerly Invitae), Labcorp
Classification: Uncertain significance for Autosomal dominant nocturnal frontal lobe epilepsy 5; Developmental and epileptic encephalopathy, 14. Last evaluated: 2022-12-31. Review status: criteria provided, single submitter. Criteria: Invitae Variant Classification Sherloc (09022015). Collection method: clinical testing. Allele origin: germline.
Comment: This variant has not been reported in the literature in individuals affected with KCNT1-related conditions. This sequence change replaces methionine, which is neutral and non-polar, with threonine, which is neutral and polar, at codon 959 of the KCNT1 protein (p.Met959Thr). This variant is present in population databases (no rsID available, gnomAD 0.0009%). This missense change has been observed in at least one individual who was not affected with KCNT1-related conditions (Invitae). ClinVar contains an entry for this variant (Variation ID: 447647). Advanced modeling of protein sequence and biophysical properties (such as structural, functional, and spatial information, amino acid conservation, physicochemical variation, residue mobility, and thermodynamic stability) performed at Invitae indicates that this missense variant is expected to disrupt KCNT1 protein function. In summary, the available evidence is currently insufficient to determine the role of this variant in disease. Therefore, it has been classified as a Variant of Uncertain Significance.

Genome-Nilou Lab
Classification: Uncertain significance for Developmental and epileptic encephalopathy, 14. Last evaluated: 2022-03-15. Review status: criteria provided, single submitter. Criteria: ACMG Guidelines, 2015. Collection method: clinical testing. Allele origin: germline. Affected: no.

Genome-Nilou Lab
Classification: Uncertain significance for Autosomal dominant nocturnal frontal lobe epilepsy 5. Last evaluated: 2022-03-15. Review status: criteria provided, single submitter. Criteria: ACMG Guidelines, 2015. Collection method: clinical testing. Allele origin: germline. Affected: no.

Athena Diagnostics
Classification: Uncertain significance. Last evaluated: 2017-02-24. Review status: criteria provided, single submitter. Criteria: Athena Diagnostics Criteria. Collection method: clinical testing. Allele origin: germline.